The following is an entry in ClinVar:

ClinVar aggregate classification (germline): Likely benign (1 of 4 stars; one submission).

Conditions:
ATL1-related disorder. Also called: ATL1-related condition.

gnomAD v4.1: 119 of 1,549,384 alleles (0.0077%); highest among the groups gnomAD compares: Non-Finnish European, 0.0097%; no homozygotes.

Submission:

PreventionGenetics, part of Exact Sciences
Classification: Likely benign for ATL1-related condition. Last evaluated: 2026-06-24. Review status: criteria provided, single submitter. Criteria: ACMG Guidelines, 2015. Collection method: clinical testing. Allele origin: germline.
Comment: This variant is classified as likely benign based on ACMG/AMP sequence variant interpretation guidelines (Richards et al. 2015 PMID: 25741868, with internal and published modifications).

NM_015915.5(ATL1):c.*10T>C

Gene: ATL1 (atlastin GTPase 1; plus strand). Cytogenetic location: 14q22.1.
Variant type: single nucleotide variant.
Coding change: c.*10T>C on transcript NM_015915.5 (MANE Select); 10 bases downstream of the stop codon, T replaced by C.
Molecular consequence: 3 prime UTR variant.
Genome position (GRCh38, 1-based): chr14:50,632,349, T>C. VCF-style: chr14-50632349-T-C. GRCh37 (hg19) VCF-style: chr14-51099067-T-C.
Other names: c.*10T>C (NM_001127713.1, NM_181598.4).
Identifiers: ClinVar variation 4987968 (VCV004987968.1).